The following is an entry in ClinVar:

ClinVar aggregate classification (germline): Uncertain significance. Review status: criteria provided, multiple submitters, no conflicts (2 of 4 stars). 2 submissions from 2 submitters: Uncertain significance (2). Last evaluated 2024-03-09.

Conditions:
Developmental and epileptic encephalopathy, 37 (DEE37). Also called: Epileptic encephalopathy, early infantile, 37. Identifiers: MedGen C4310770, MONDO:0014859, OMIM 616981.

Allele frequency attached by ClinVar (database versions not stated): gnomAD exomes below 0.00001.

Submissions (2):

GeneDx
Classification: Uncertain significance. Last evaluated: 2024-03-09. Review status: criteria provided, single submitter. Criteria: GeneDx Variant Classification Process June 2021. Collection method: clinical testing. Allele origin: germline. Affected: yes.
Comment: Not observed at significant frequency in large population cohorts (gnomAD); In silico analysis supports that this missense variant has a deleterious effect on protein structure/function; Has not been previously published as pathogenic or benign to our knowledge

Labcorp Genetics (formerly Invitae), Labcorp
Classification: Uncertain significance for Developmental and epileptic encephalopathy, 37. Last evaluated: 2020-10-01. Review status: criteria provided, single submitter. Criteria: Invitae Variant Classification Sherloc (09022015). Collection method: clinical testing. Allele origin: germline.
Comment: In summary, the available evidence is currently insufficient to determine the role of this variant in disease. Therefore, it has been classified as a Variant of Uncertain Significance. Algorithms developed to predict the effect of missense changes on protein structure and function are either unavailable or do not agree on the potential impact of this missense change (SIFT: "Tolerated"; PolyPhen-2: "Probably Damaging"; Align-GVGD: "Class C0"). This variant has not been reported in the literature in individuals with FRRS1L-related conditions. This variant is not present in population databases (ExAC no frequency). This sequence change replaces methionine with threonine at codon 205 of the FRRS1L protein (p.Met205Thr). The methionine residue is highly conserved and there is a moderate physicochemical difference between methionine and threonine.

NM_014334.4(FRRS1L):c.461T>C (p.Met154Thr)

Gene: FRRS1L (ferric chelate reductase 1 like; minus strand). Cytogenetic location: 9q31.3.
Variant type: single nucleotide variant.
Coding change: c.461T>C on transcript NM_014334.4 (MANE Select); coding-DNA position 461, T replaced by C.
Protein change: p.Met154Thr; replaces methionine 154 with threonine.
Molecular consequence: missense variant.
Genome position (GRCh38, 1-based): chr9:109,147,052, A>G on the plus strand (T>C on the coding strand, the complement: FRRS1L is on the minus strand). VCF-style: chr9-109147052-A-G. GRCh37 (hg19) VCF-style: chr9-111909332-A-G.
Other names: short protein forms M154T.
Identifiers: ClinVar variation 964000 (VCV000964000.11), dbSNP rs1831270538, ClinGen allele CA374426532.